The following is an entry in ClinVar:

ClinVar aggregate classification (germline): Uncertain significance. Review status: criteria provided, single submitter (1 of 4 stars). 2 submissions from 2 submitters: Uncertain significance (1). 1 of the submissions does not count toward it. Last evaluated 2023-08-14.

Conditions:
Alzheimer disease 4 (AD4). Identifiers: Orphanet 1020, MedGen C1847200, MONDO:0011743, OMIM 606889.

Allele frequency attached by ClinVar (database versions not stated): gnomAD exomes below 0.00001 and 0.00001; gnomAD 0.00001; ExAC 0.00002.
gnomAD v4.1: 4 of 1,614,114 alleles (0.00025%); highest among the groups gnomAD compares: Non-Finnish European, 0.00034%; no homozygotes.

Submissions (2):

Labcorp Genetics (formerly Invitae), Labcorp
Classification: Uncertain significance for Alzheimer disease 4. Last evaluated: 2023-08-14. Review status: criteria provided, single submitter. Criteria: Invitae Variant Classification Sherloc (09022015). Collection method: clinical testing. Allele origin: germline.
Comment: This sequence change replaces glutamine, which is neutral and polar, with leucine, which is neutral and non-polar, at codon 228 of the PSEN2 protein (p.Gln228Leu). This variant is present in population databases (rs63750880, gnomAD 0.002%). This missense change has been observed in individual(s) with early-onset Alzheimer disease (PMID: 14769392, 30279455). ClinVar contains an entry for this variant (Variation ID: 97997). Advanced modeling of protein sequence and biophysical properties (such as structural, functional, and spatial information, amino acid conservation, physicochemical variation, residue mobility, and thermodynamic stability) performed at Invitae indicates that this missense variant is expected to disrupt PSEN2 protein function. In summary, the available evidence is currently insufficient to determine the role of this variant in disease. Therefore, it has been classified as a Variant of Uncertain Significance.

VIB  Department of Molecular Genetics, University of Antwerp
No classification provided. Review status: no classification provided. Collection method: not provided. Allele origin: not provided. Not counted in ClinVar's aggregate classification.

Literature cited by the submitters: PubMed 14769392 (cited by Labcorp Genetics (formerly Invitae), Labcorp); PubMed 30279455 (cited by Labcorp Genetics (formerly Invitae), Labcorp).

NM_000447.3(PSEN2):c.683A>T (p.Gln228Leu)

Gene: PSEN2 (presenilin 2; plus strand). Cytogenetic location: 1q42.13.
Variant type: single nucleotide variant.
Coding change: c.683A>T on transcript NM_000447.3 (MANE Select); coding-DNA position 683, A replaced by T.
Protein change: p.Gln228Leu; replaces glutamine 228 with leucine.
Molecular consequence: missense variant.
Genome position (GRCh38, 1-based): chr1:226,888,945, A>T. VCF-style: chr1-226888945-A-T. GRCh37 (hg19) VCF-style: chr1-227076646-A-T.
Other names: c.683A>T, p.Gln228Leu (NM_012486.3); short protein forms Q228L.
Identifiers: ClinVar variation 97997 (VCV000097997.4), dbSNP rs63750880, ClinGen allele CA224955.